The following is an entry in ClinVar:

ClinVar aggregate classification (germline): Pathogenic/Likely pathogenic. Review status: criteria provided, multiple submitters, no conflicts (2 of 4 stars). 2 submissions from 2 submitters: Pathogenic (1); Likely pathogenic (1). Last evaluated 2026-01-06.

Conditions:
Glucose-6-phosphate transport defect (GSD1B). Also called: Glycogen Storage Disease Type Ib; GSD Ib. Identifiers: Orphanet 364, Orphanet 79259, MedGen C0268146, MONDO:0009288, OMIM 232220.

Submissions (2):

Labcorp Genetics (formerly Invitae), Labcorp
Classification: Pathogenic for Glucose-6-phosphate transport defect. Last evaluated: 2026-01-06. Review status: criteria provided, single submitter. Criteria: Invitae Variant Classification Sherloc (09022015). Collection method: clinical testing. Allele origin: germline.
Comment: This sequence change creates a premature translational stop signal (p.Glu213Argfs*27) in the SLC37A4 gene. It is expected to result in an absent or disrupted protein product. Loss-of-function variants in SLC37A4 are known to be pathogenic (PMID: 9758626, 10940311). This variant is present in population databases (no rsID available, gnomAD 0.007%). This variant has not been reported in the literature in individuals affected with SLC37A4-related conditions. ClinVar contains an entry for this variant (Variation ID: 2678947). For these reasons, this variant has been classified as Pathogenic.

Baylor Genetics
Classification: Likely pathogenic for Glucose-6-phosphate transport defect. Last evaluated: 2023-09-30. Review status: criteria provided, single submitter. Criteria: ACMG Guidelines, 2015. Collection method: clinical testing. Allele origin: unknown.

Literature cited by the submitters: PubMed 9758626 (cited by Labcorp Genetics (formerly Invitae), Labcorp); PubMed 10940311 (cited by Labcorp Genetics (formerly Invitae), Labcorp).

NM_001164277.2(SLC37A4):c.637del (p.Glu213fs)

Gene: SLC37A4 (solute carrier family 37 member 4; minus strand). Cytogenetic location: 11q23.3.
Variant type: Deletion.
Coding change: c.637del on transcript NM_001164277.2 (MANE Select); coding-DNA position 637, one base deleted (G; older notation c.637delG).
Protein change: p.Glu213fs; shifts the reading frame from glutamic acid 213.
Molecular consequence: frameshift variant.
Genome position (GRCh38, 1-based): chr11:119,027,084, C deleted on the plus strand (G on the coding strand, the reverse complement: SLC37A4 is on the minus strand); the first of 2 consecutive C bases (chr11:119,027,084-119,027,085); deleting either gives the same sequence. VCF-style (leftmost placement, unchanged base first): chr11-119027083-TC-T. GRCh37 (hg19) VCF-style: chr11-118897793-TC-T.
Other names: c.637del, p.Glu213fs (NM_001164278.2, NM_001164280.2, NM_001467.6); c.418del, p.Glu140fs (NM_001164279.2); short protein forms E140fs, E213fs.
Identifiers: ClinVar variation 2678947 (VCV002678947.2), dbSNP rs1352968108, ClinGen allele CA602577768.